The following is an entry in ClinVar:

ClinVar aggregate classification (germline): Uncertain significance (1 of 4 stars; one submission).

gnomAD v4.1: 2 of 1,612,486 alleles (0.00012%); highest among the groups gnomAD compares: Non-Finnish European, 0.00017%; no homozygotes.

Submission:

GeneDx
Classification: Uncertain significance. Last evaluated: 2025-05-09. Review status: criteria provided, single submitter. Criteria: GeneDx Variant Classification Process June 2021. Collection method: clinical testing. Allele origin: germline. Affected: yes.
Comment: Not observed at significant frequency in large population cohorts (gnomAD); In silico analysis supports that this missense variant has a deleterious effect on protein structure/function; Has not been previously published as pathogenic or benign to our knowledge

NM_001394998.1(TANC2):c.1562G>T (p.Arg521Ile)

Gene: TANC2 (tetratricopeptide repeat, ankyrin repeat and coiled-coil containing 2; plus strand). Cytogenetic location: 17q23.3.
Variant type: single nucleotide variant.
Coding change: c.1562G>T on transcript NM_001394998.1 (MANE Select); coding-DNA position 1562, G replaced by T.
Protein change: p.Arg521Ile; replaces arginine 521 with isoleucine.
Molecular consequence: missense variant.
Genome position (GRCh38, 1-based): chr17:63,319,077, G>T. VCF-style: chr17-63319077-G-T. GRCh37 (hg19) VCF-style: chr17-61396438-G-T.
Other names: c.1340G>T, p.Arg447Ile (NM_001411076.1, NM_025185.4); short protein forms R447I, R521I.
Identifiers: ClinVar variation 4528022 (VCV004528022.1).
Genomic context (GRCh38, chr17:63,319,077, plus strand): 5'-CCAGTGGAAGCTGCCCAGGAACTCCGGAAATGCGCAGGCGGCAGGAGGAGGCTATGCGAA[G>T]ACTAGCCTCGCAGGTACAATATGATTCCCACGTTGGGGATATGGTAGTTCCATTTTAATA-3'
Protein context (NP_001381927.1, residues 511-531): MRRRQEEAMR[Arg521Ile]LASQVVAYHY